The following is an entry in ClinVar:

NM_000124.4(ERCC6):c.3944C>T (p.Thr1315Ile)

Gene: ERCC6 (ERCC excision repair 6, chromatin remodeling factor; minus strand). Cytogenetic location: 10q11.23.
Variant type: single nucleotide variant.
Coding change: c.3944C>T on transcript NM_000124.4 (MANE Select); coding-DNA position 3944, C replaced by T.
Protein change: p.Thr1315Ile; replaces threonine 1315 with isoleucine.
Molecular consequence: missense variant.
Genome position (GRCh38, 1-based): chr10:49,461,391, G>A on the plus strand (C>T on the coding strand, the complement: ERCC6 is on the minus strand). VCF-style: chr10-49461391-G-A. GRCh37 (hg19) VCF-style: chr10-50669437-G-A.
Other names: c.3944C>T, p.Thr1315Ile (NM_001346440.2); short protein forms T1315I.
Identifiers: ClinVar variation 1345156 (VCV001345156.8), dbSNP rs2132526499, ClinGen allele CA376708273.

ClinVar aggregate classification (germline): Uncertain significance (1 of 4 stars; one submission).

Submission:

Labcorp Genetics (formerly Invitae), Labcorp
Classification: Uncertain significance. Last evaluated: 2025-12-01. Review status: criteria provided, single submitter. Criteria: Invitae Variant Classification Sherloc (09022015). Collection method: clinical testing. Allele origin: germline.
Comment: This sequence change replaces threonine, which is neutral and polar, with isoleucine, which is neutral and non-polar, at codon 1315 of the ERCC6 protein (p.Thr1315Ile). This variant is not present in population databases (gnomAD no frequency). This variant has not been reported in the literature in individuals affected with ERCC6-related conditions. ClinVar contains an entry for this variant (Variation ID: 1345156). An algorithm developed to predict the effect of missense changes on protein structure and function (PolyPhen-2) suggests that this variant is likely to be disruptive. In summary, the available evidence is currently insufficient to determine the role of this variant in disease. Therefore, it has been classified as a Variant of Uncertain Significance.